The following is an entry in ClinVar:

NM_006922.4(SCN3A):c.603-92G>A

Gene: SCN3A (sodium voltage-gated channel alpha subunit 3; minus strand). Cytogenetic location: 2q24.3.
Variant type: single nucleotide variant.
Coding change: c.603-92G>A on transcript NM_006922.4 (MANE Select); 92 bases into the intron before coding-DNA position 603, G replaced by A.
Molecular consequence: intron variant. On other transcripts: splice donor variant (1).
Genome position (GRCh38, 1-based): chr2:165,163,801, C>T on the plus strand (G>A on the coding strand, the complement: SCN3A is on the minus strand). VCF-style: chr2-165163801-C-T. GRCh37 (hg19) VCF-style: chr2-166020311-C-T.
Other names: c.603-92G>A (NM_001081676.2); c.694+1G>A (NM_001081677.2).
Identifiers: ClinVar variation 2610156 (VCV002610156.2), dbSNP rs1689562637, ClinGen allele CA349239670.

ClinVar aggregate classification (germline): Uncertain significance (1 of 4 stars; one submission).

Conditions:
Inborn genetic diseases. Identifiers: MedGen C0950123, MeSH D030342.

Submission:

Ambry Genetics
Classification: Uncertain significance for Inborn genetic diseases. Last evaluated: 2023-07-24. Review status: criteria provided, single submitter. Criteria: Ambry Variant Classification Scheme 2023. Collection method: clinical testing. Allele origin: germline.
Comment: The c.694+1G>A intronic alteration consists of a G to A substitution one nucleotide after coding exon 5 of the SCN3A gene. This region of the SCN3A gene is excluded from another biologically relevant transcript NM_006922.3. Alterations that disrupt the canonical splice site are expected to cause aberrant splicing, resulting in an abnormal protein or a transcript that is subject to nonsense-mediated mRNA decay. However, loss of function of SCN3A has not been established as a mechanism of disease. This nucleotide position is highly conserved in available vertebrate species. In silico splice site analysis predicts that this alteration will weaken the native splice donor site. Based on insufficient or conflicting evidence, the clinical significance of this alteration remains unclear.